The following is an entry in ClinVar:

ClinVar aggregate classification (germline): Conflicting classifications of pathogenicity. Review status: criteria provided, conflicting classifications (1 of 4 stars). 8 submissions from 8 submitters: Uncertain significance (7); Likely benign (1). Last evaluated 2026-02-13.

Conditions:
BMPR1A-related disorder. Also called: BMPR1A-related condition.
Juvenile polyposis syndrome (JPS). Identifiers: Orphanet 2929, MedGen C0345893, MONDO:0017380, OMIM 174900.
Hereditary cancer-predisposing syndrome. Also called: Tumor predisposition; Neoplastic Syndromes, Hereditary; Hereditary neoplastic syndrome; Hereditary Cancer Syndrome. Identifiers: Orphanet 140162, MedGen C0027672, MeSH D009386, MONDO:0015356.
Polyposis syndrome, hereditary mixed, 2. Identifiers: Orphanet 157794, MedGen C1864730, MONDO:0012405, OMIM 610069.

Allele frequency attached by ClinVar (database versions not stated): gnomAD 0.00005 and 0.00006; ExAC 0.00001; gnomAD exomes 0.00001; TOPMed 0.00003.
gnomAD v4.1: 24 of 1,613,744 alleles (0.0015%); highest among the groups gnomAD compares: South Asian, 0.0077%; no homozygotes.

Submissions (8):

PreventionGenetics, part of Exact Sciences
Classification: Uncertain significance for BMPR1A-related condition. Last evaluated: 2026-02-13. Review status: criteria provided, single submitter. Criteria: ACMG Guidelines, 2015. Collection method: clinical testing. Allele origin: germline.
Comment: The BMPR1A c.118G>A variant is predicted to result in the amino acid substitution p.Asp40Asn. This variant has been reported in an individual with biliary tract cancer (Table S2, Okawa et al. 2023. PubMed ID: 36243179) and in an individual with breast cancer who also carried a variant in the MSH6 gene (Table S3, de Oliveira et al. 2022. PubMed ID: 35534704). This variant is reported in 0.0080% of alleles in individuals of African descent in gnomAD and has conflicting interpretations ranging from uncertain significance to likely benign in ClinVar (Variation ID: 141179). At this time, the clinical significance of this variant is uncertain due to the absence of conclusive functional and genetic evidence.

Labcorp Genetics (formerly Invitae), Labcorp
Classification: Uncertain significance for Juvenile polyposis syndrome. Last evaluated: 2025-11-25. Review status: criteria provided, single submitter. Criteria: Invitae Variant Classification Sherloc (09022015). Collection method: clinical testing. Allele origin: germline.
Comment: This sequence change replaces aspartic acid, which is acidic and polar, with asparagine, which is neutral and polar, at codon 40 of the BMPR1A protein (p.Asp40Asn). This variant is present in population databases (rs587781556, gnomAD 0.008%). This missense change has been observed in individual(s) with breast cancer (PMID: 35534704). ClinVar contains an entry for this variant (Variation ID: 141179). Invitae Evidence Modeling incorporating data from in vitro experimental studies (internal data) indicates that this missense variant is not expected to disrupt BMPR1A function with a negative predictive value of 95%. In summary, the available evidence is currently insufficient to determine the role of this variant in disease. Therefore, it has been classified as a Variant of Uncertain Significance.

Quest Diagnostics Nichols Institute San Juan Capistrano
Classification: Uncertain significance. Last evaluated: 2025-10-31. Review status: criteria provided, single submitter. Criteria: Quest Diagnostics criteria. Collection method: clinical testing. Allele origin: unknown.
Comment: The BMPR1A c.118G>A (p.Asp40Asn) variant has been reported in the published literature in patients with breast cancer (PMID: 35534704 (2022)) and pancreatic adenocarcinoma (39256447 (2024)). The frequency of this variant in the general population (Genome Aggregation Database) is uninformative in the assessment of its pathogenicity. Analysis of this variant using bioinformatics tools for the prediction of the effect of amino acid changes on protein structure and function yielded predictions that this variant is benign. Based on the available information, we are unable to determine the clinical significance of this variant.

Color Diagnostics, LLC DBA Color Health
Classification: Uncertain significance for Hereditary cancer-predisposing syndrome. Last evaluated: 2024-06-18. Review status: criteria provided, single submitter. Criteria: ACMG Guidelines, 2015. Collection method: clinical testing. Allele origin: germline.
Comment: This missense variant replaces aspartic acid with asparagine at codon 40 of the BMPR1A protein. Computational prediction suggests that this variant may not impact protein structure and function (internally defined REVEL score threshold <= 0.5, PMID: 27666373). To our knowledge, functional studies have not been reported for this variant. This variant has not been reported in individuals affected with BMPR1A-related disorders in the literature. This variant has been identified in 5/282766 chromosomes in the general population by the Genome Aggregation Database (gnomAD). The available evidence is insufficient to determine the role of this variant in disease conclusively. Therefore, this variant is classified as a Variant of Uncertain Significance.

All of Us Research Program, National Institutes of Health
Classification: Uncertain significance for Juvenile polyposis syndrome. Last evaluated: 2024-02-05. Review status: criteria provided, single submitter. Criteria: ACMG Guidelines, 2015. Collection method: clinical testing. Allele origin: germline. Inheritance: Autosomal dominant inheritance. Observed: 4 variant alleles, 4 heterozygotes.
Comment: This missense variant replaces aspartic acid with asparagine at codon 40 of the BMPR1A protein. Computational prediction suggests that this variant may not impact protein structure and function (internally defined REVEL score threshold <= 0.5, PMID: 27666373). To our knowledge, functional studies have not been reported for this variant. This variant has not been reported in individuals affected with BMPR1A-related disorders in the literature. This variant has been identified in 5/282766 chromosomes in the general population by the Genome Aggregation Database (gnomAD). The available evidence is insufficient to determine the role of this variant in disease conclusively. Therefore, this variant is classified as a Variant of Uncertain Significance.

This study involves interpretation of variants in research participants for the purpose of population health screening. Participant phenotype was not available at the time of variant classification. Additional details can be found in publication PMID: 35346344, PMCID: PMC8962531

Baylor Genetics
Classification: Uncertain significance for Polyposis syndrome, hereditary mixed, 2. Last evaluated: 2023-08-04. Review status: criteria provided, single submitter. Criteria: ACMG Guidelines, 2015. Collection method: clinical testing. Allele origin: unknown.

Ambry Genetics
Classification: Likely benign for Hereditary cancer-predisposing syndrome. Last evaluated: 2023-03-13. Review status: criteria provided, single submitter. Criteria: Ambry Variant Classification Scheme 2023. Collection method: clinical testing. Allele origin: germline.

GeneDx
Classification: Uncertain significance. Last evaluated: 2022-06-12. Review status: criteria provided, single submitter. Criteria: GeneDx Variant Classification Process June 2021. Collection method: clinical testing. Allele origin: germline. Affected: yes.
Comment: Not observed at significant frequency in large population cohorts (gnomAD); In silico analysis supports that this missense variant does not alter protein structure/function; Has not been previously published as pathogenic or benign to our knowledge

Literature cited by the submitters: PubMed 35534704 (cited by Labcorp Genetics (formerly Invitae), Labcorp and Quest Diagnostics Nichols Institute San Juan Capistrano).

NM_004329.3(BMPR1A):c.118G>A (p.Asp40Asn)

Gene: BMPR1A (bone morphogenetic protein receptor type 1A; plus strand). Cytogenetic location: 10q23.2.
Variant type: single nucleotide variant.
Coding change: c.118G>A on transcript NM_004329.3 (MANE Select); coding-DNA position 118, G replaced by A.
Protein change: p.Asp40Asn; replaces aspartic acid 40 with asparagine.
Molecular consequence: missense variant.
Genome position (GRCh38, 1-based): chr10:86,890,112, G>A. VCF-style: chr10-86890112-G-A. GRCh37 (hg19) VCF-style: chr10-88649869-G-A.
Other names: short protein forms D40N.
Identifiers: ClinVar variation 141179 (VCV000141179.28), dbSNP rs587781556, ClinGen allele CA164691.